The following is an entry in ClinVar:

NM_022356.4(P3H1):c.1637G>A (p.Arg546Gln)

Gene: P3H1 (prolyl 3-hydroxylase 1; minus strand). Cytogenetic location: 1p34.2.
Variant type: single nucleotide variant.
Coding change: c.1637G>A on transcript NM_022356.4 (MANE Select); coding-DNA position 1637, G replaced by A.
Protein change: p.Arg546Gln; replaces arginine 546 with glutamine.
Molecular consequence: missense variant.
Genome position (GRCh38, 1-based): chr1:42,750,269, C>T on the plus strand (G>A on the coding strand, the complement: P3H1 is on the minus strand). VCF-style: chr1-42750269-C-T. GRCh37 (hg19) VCF-style: chr1-43215940-C-T.
Other names: c.1637G>A, p.Arg546Gln (NM_001146289.2, NM_001243246.2); short protein forms R546Q.
Identifiers: ClinVar variation 864549 (VCV000864549.9), dbSNP rs758596191, ClinGen allele CA801752.

ClinVar aggregate classification (germline): Uncertain significance. Review status: criteria provided, multiple submitters, no conflicts (2 of 4 stars). 4 submissions from 4 submitters: Uncertain significance (4). Last evaluated 2025-02-02.

Conditions:
Inborn genetic diseases. Identifiers: MedGen C0950123, MeSH D030342.
Osteogenesis imperfecta type 8 (OI8). Identifiers: MedGen C1970458, MONDO:0012581, OMIM 610915.

Allele frequency attached by ClinVar (database versions not stated): gnomAD exomes 0.00002 and 0.00004; TOPMed 0.00003; ExAC 0.00006.

Submissions (4):

Ambry Genetics
Classification: Uncertain significance for Inborn genetic diseases. Last evaluated: 2025-02-02. Review status: criteria provided, single submitter. Criteria: Ambry Variant Classification Scheme 2023. Collection method: clinical testing. Allele origin: germline.

Genome-Nilou Lab
Classification: Uncertain significance for Osteogenesis imperfecta type 8. Last evaluated: 2023-04-11. Review status: criteria provided, single submitter. Criteria: ACMG Guidelines, 2015. Collection method: clinical testing. Allele origin: germline. Affected: no.

Labcorp Genetics (formerly Invitae), Labcorp
Classification: Uncertain significance for Osteogenesis imperfecta type 8. Last evaluated: 2021-08-24. Review status: criteria provided, single submitter. Criteria: Invitae Variant Classification Sherloc (09022015). Collection method: clinical testing. Allele origin: germline.
Comment: This sequence change replaces arginine with glutamine at codon 546 of the P3H1 protein (p.Arg546Gln). The arginine residue is moderately conserved and there is a small physicochemical difference between arginine and glutamine. This variant is present in population databases (rs758596191, ExAC 0.04%). This variant has not been reported in the literature in individuals affected with P3H1-related conditions. Algorithms developed to predict the effect of missense changes on protein structure and function are either unavailable or do not agree on the potential impact of this missense change (SIFT: "Tolerated"; PolyPhen-2: "Probably Damaging"; Align-GVGD: "Class C0"). In summary, the available evidence is currently insufficient to determine the role of this variant in disease. Therefore, it has been classified as a Variant of Uncertain Significance.

Fulgent Genetics
Classification: Uncertain significance for Osteogenesis imperfecta type 8. Last evaluated: 2021-08-18. Review status: criteria provided, single submitter. Criteria: ACMG Guidelines, 2015. Collection method: clinical testing. Allele origin: unknown.